The following is an entry in ClinVar:

ClinVar aggregate classification (germline): Benign. Review status: criteria provided, multiple submitters, no conflicts (2 of 4 stars). 3 submissions from 2 submitters: Benign (3). Last evaluated 2018-01-13.

Conditions:
Corneal dystrophy. Identifiers: Orphanet 34533, MedGen C0010036, MONDO:0018102, HP:0001131.
Bietti crystalline corneoretinal dystrophy (BCD). Also called: Bietti Crystalline Dystrophy; BIETTI TAPETORETINAL DEGENERATION WITH MARGINAL CORNEAL DYSTROPHY. Identifiers: Orphanet 41751, MedGen C1859486, MONDO:0008865, OMIM 210370.

Allele frequency attached by ClinVar (database versions not stated): gnomAD exomes 0.84884; TOPMed 0.89002; gnomAD 0.89018 and 0.89040; 1000 Genomes Project 30x 0.90428; 1000 Genomes Project 0.90435.
gnomAD v4.1: 135,304 of 151,890 alleles (89%); highest among the groups gnomAD compares: East Asian, 93%; 60,308 homozygotes.

Submissions (3):

Illumina Laboratory Services, Illumina
Classification: Benign for Corneal dystrophy. Last evaluated: 2018-01-13. Review status: criteria provided, single submitter. Criteria: ICSL Variant Classification Criteria 13 December 2019. Collection method: clinical testing. Allele origin: germline.
Comment: This variant was observed in the ICSL laboratory as part of a predisposition screen in an ostensibly healthy population. It had not been previously curated by ICSL or reported in the Human Gene Mutation Database (HGMD: prior to June 1st, 2018), and was therefore a candidate for classification through an automated scoring system. Utilizing variant allele frequency, disease prevalence and penetrance estimates, and inheritance mode, an automated score was calculated to assess if this variant is too frequent to cause the disease. Based on the score and internal cut-off values, a variant classified as benign is not then subjected to further curation. The score for this variant resulted in a classification of benign for this disease.

Illumina Laboratory Services, Illumina
Classification: Benign for Bietti crystalline corneoretinal dystrophy. Last evaluated: 2018-01-13. Review status: criteria provided, single submitter. Criteria: ICSL Variant Classification Criteria 13 December 2019. Collection method: clinical testing. Allele origin: germline.
Comment: the same text as in the submission from Illumina Laboratory Services, Illumina above.

Breakthrough Genomics
Classification: Benign. Review status: criteria provided, single submitter. Criteria: ACMG Guidelines, 2015. Collection method: not provided. Allele origin: germline. Inheritance: Autosomal recessive inheritance. Affected: yes.

NM_207352.4(CYP4V2):c.*725C>T

Genes: CYP4V2 (cytochrome P450 family 4 subfamily V member 2; plus strand), KLKB1 (kallikrein B1; plus strand). Cytogenetic location: 4q35.2.
Variant type: single nucleotide variant.
Coding change: c.*725C>T on transcript NM_207352.4 (MANE Select); 725 bases downstream of the stop codon, C replaced by T.
Molecular consequence: 3 prime UTR variant.
Genome position (GRCh38, 1-based): chr4:186,211,366, C>T. VCF-style: chr4-186211366-C-T. GRCh37 (hg19) VCF-style: chr4-187132520-C-T.
Identifiers: ClinVar variation 348324 (VCV000348324.6), dbSNP rs10033577, ClinGen allele CA10618433.